The following is an entry in ClinVar:

ClinVar aggregate classification (germline): Pathogenic (1 of 4 stars; one submission).

Submission:

Labcorp Genetics (formerly Invitae), Labcorp
Classification: Pathogenic. Last evaluated: 2023-06-23. Review status: criteria provided, single submitter. Criteria: Invitae Variant Classification Sherloc (09022015). Collection method: clinical testing. Allele origin: germline.
Comment: This sequence change creates a premature translational stop signal (p.Phe717Cysfs*9) in the SLC12A1 gene. It is expected to result in an absent or disrupted protein product. Loss-of-function variants in SLC12A1 are known to be pathogenic (PMID: 8640224, 9585600, 19096086). This variant is not present in population databases (gnomAD no frequency). This variant has not been reported in the literature in individuals affected with SLC12A1-related conditions. For these reasons, this variant has been classified as Pathogenic.

Literature cited by the submitters: PubMed 8640224; PubMed 9585600; PubMed 19096086.

NM_000338.3(SLC12A1):c.2150_2151del (p.Phe717fs)

Gene: SLC12A1 (solute carrier family 12 member 1; plus strand). Cytogenetic location: 15q21.1.
Variant type: Deletion.
Coding change: c.2150_2151del on transcript NM_000338.3 (MANE Select); coding-DNA positions 2150 to 2151, 2 bases deleted (TT; older notation c.2150_2151delTT).
Protein change: p.Phe717fs; shifts the reading frame from phenylalanine 717.
Molecular consequence: frameshift variant.
Genome position (GRCh38, 1-based): chr15:48,259,307-48,259,308, TT deleted; deleting any 2 consecutive bases within chr15:48,259,306-48,259,308 gives the same sequence; the c. name uses the placement nearest the transcript's 3' end. VCF-style (leftmost placement, unchanged base first): chr15-48259305-CTT-C. GRCh37 (hg19) VCF-style: chr15-48551502-CTT-C.
Other names: c.2150_2151del, p.Phe717fs (NM_001384136.1, NM_001184832.2); short protein forms F717fs.
Identifiers: ClinVar variation 2726687 (VCV002726687.3), dbSNP rs2505120564, ClinGen allele CA2697549048.
Genomic context (GRCh38, chr15:48,259,305, plus strand): 5'-TCTCCTGGACATAACTCACGCCTTTACCAAGAACAGTGGCCTTTGCATCTGCTGTGAAGT[CTT>C]TGTGGTAAGAGCCACTTCACCCCAGGGAAGTCCTTTTTCCTCCCTGCTTATCTTGGATTA-3'